The following is an entry in ClinVar:

NM_000256.3(MYBPC3):c.1293C>T (p.Asp431=)

Gene: MYBPC3 (myosin binding protein C3; minus strand). Cytogenetic location: 11p11.2.
Variant type: single nucleotide variant.
Coding change: c.1293C>T on transcript NM_000256.3 (MANE Select); coding-DNA position 1293, C replaced by T.
Protein change: p.Asp431=; no amino-acid change (aspartic acid 431 retained).
Molecular consequence: synonymous variant.
Genome position (GRCh38, 1-based): chr11:47,343,079, G>A on the plus strand (C>T on the coding strand, the complement: MYBPC3 is on the minus strand). VCF-style: chr11-47343079-G-A. GRCh37 (hg19) VCF-style: chr11-47364630-G-A.
Other names: c.1293C>T, p.Asp431= (LRG_386t1).
Identifiers: ClinVar variation 454303 (VCV000454303.18), dbSNP rs763808974, ClinGen allele CA077970.

ClinVar aggregate classification (germline): Likely benign. Review status: criteria provided, multiple submitters, no conflicts (2 of 4 stars). 5 submissions from 5 submitters: Likely benign (5). Last evaluated 2025-04-01.

Conditions:
Hypertrophic cardiomyopathy. Also called: HYPERTROPHIC MYOCARDIOPATHY. Identifiers: Orphanet 217569, MedGen C0007194, MeSH D002312, MONDO:0005045, HP:0001639.
Cardiomyopathy (CMYO). Also called: Cardiomyopathies. Identifiers: Orphanet 167848, MedGen C0878544, MONDO:0004994, HP:0001638. Inheritance: Various modes of inheritance.
Cardiovascular phenotype. Identifiers: MedGen CN230736.

Allele frequency attached by ClinVar (database versions not stated): gnomAD exomes 0.00001 and 0.00003; TOPMed 0.00001; ExAC 0.00004.
gnomAD v4.1: 17 of 1,612,088 alleles (0.0011%); highest among the groups gnomAD compares: South Asian, 0.0055%; no homozygotes.

Submissions (5):

Labcorp Genetics (formerly Invitae), Labcorp
Classification: Likely benign for Hypertrophic cardiomyopathy. Last evaluated: 2025-04-01. Review status: criteria provided, single submitter. Criteria: Invitae Variant Classification Sherloc (09022015). Collection method: clinical testing. Allele origin: germline.

All of Us Research Program, National Institutes of Health
Classification: Likely benign for Hypertrophic cardiomyopathy. Last evaluated: 2023-10-02. Review status: criteria provided, single submitter. Criteria: ACMG Guidelines, 2015. Collection method: clinical testing. Allele origin: germline. Inheritance: Autosomal dominant inheritance. Observed: 2 variant alleles, 2 heterozygotes.
Comment: This study involves interpretation of variants in research participants for the purpose of population health screening. Participant phenotype was not available at the time of variant classification. Additional details can be found in publication PMID: 35346344, PMCID: PMC8962531

Color Diagnostics, LLC DBA Color Health
Classification: Likely benign for Cardiomyopathy. Last evaluated: 2019-07-26. Review status: criteria provided, single submitter. Criteria: ACMG Guidelines, 2015. Collection method: clinical testing. Allele origin: germline.

Ambry Genetics
Classification: Likely benign for Cardiovascular phenotype. Last evaluated: 2019-05-31. Review status: criteria provided, single submitter. Criteria: Ambry Variant Classification Scheme 2023. Collection method: clinical testing. Allele origin: germline.

CHEO Genetics Diagnostic Laboratory, Children's Hospital of Eastern Ontario
Classification: Likely benign for Cardiomyopathy. Last evaluated: 2017-11-30. Review status: criteria provided, single submitter. Criteria: ACMG Guidelines, 2015. Collection method: clinical testing. Allele origin: germline.

Literature cited by the submitters: PubMed 30984009 (cited by Ambry Genetics).